The following is an entry in ClinVar:

ClinVar aggregate classification (germline): Uncertain significance (1 of 4 stars; one submission).

Allele frequency attached by ClinVar (database versions not stated): gnomAD exomes below 0.00001; TOPMed below 0.00001; ExAC 0.00001; gnomAD 0.00001.
gnomAD v4.1: 5 of 1,613,248 alleles (0.00031%); highest among the groups gnomAD compares: Non-Finnish European, 0.00042%; no homozygotes.

Submission:

Labcorp Genetics (formerly Invitae), Labcorp
Classification: Uncertain significance. Last evaluated: 2022-02-05. Review status: criteria provided, single submitter. Criteria: Invitae Variant Classification Sherloc (09022015). Collection method: clinical testing. Allele origin: germline.
Comment: In summary, the available evidence is currently insufficient to determine the role of this variant in disease. Therefore, it has been classified as a Variant of Uncertain Significance. Advanced modeling of protein sequence and biophysical properties (such as structural, functional, and spatial information, amino acid conservation, physicochemical variation, residue mobility, and thermodynamic stability) performed at Invitae indicates that this missense variant is not expected to disrupt FAT4 protein function. This variant has not been reported in the literature in individuals affected with FAT4-related conditions. This variant is present in population databases (rs758804032, gnomAD 0.0009%). This sequence change replaces tyrosine, which is neutral and polar, with serine, which is neutral and polar, at codon 4279 of the FAT4 protein (p.Tyr4279Ser).

NM_001291303.3(FAT4):c.12842A>C (p.Tyr4281Ser)

Gene: FAT4 (FAT atypical cadherin 4; plus strand). Cytogenetic location: 4q28.1.
Variant type: single nucleotide variant.
Coding change: c.12842A>C on transcript NM_001291303.3 (MANE Select); coding-DNA position 12842, A replaced by C.
Protein change: p.Tyr4281Ser; replaces tyrosine 4281 with serine.
Molecular consequence: missense variant.
Genome position (GRCh38, 1-based): chr4:125,487,364, A>C. VCF-style: chr4-125487364-A-C. GRCh37 (hg19) VCF-style: chr4-126408519-A-C.
Other names: c.12842A>C, p.Tyr4281Ser (NM_001291285.3); c.12836A>C, p.Tyr4279Ser (NM_024582.6); short protein forms Y4279S, Y4281S.
Identifiers: ClinVar variation 1361457 (VCV001361457.8), dbSNP rs758804032, ClinGen allele CA3074212.